The following is an entry in ClinVar:

NM_001365951.3(KIF1B):c.2918T>C (p.Val973Ala)

Genes: KIF1B (kinesin family member 1B; plus strand), LOC126805614 (BRD4-independent group 4 enhancer GRCh37_chr1:10385546-10386745; plus strand). Cytogenetic location: 1p36.22.
Variant type: single nucleotide variant.
Coding change: c.2918T>C on transcript NM_001365951.3 (MANE Select); coding-DNA position 2918, T replaced by C.
Protein change: p.Val973Ala; replaces valine 973 with alanine.
Molecular consequence: missense variant.
Genome position (GRCh38, 1-based): chr1:10,326,353, T>C. VCF-style: chr1-10326353-T-C. GRCh37 (hg19) VCF-style: chr1-10386411-T-C.
Other names: c.2918T>C, p.Val973Ala (NM_001365952.1); c.2780T>C, p.Val927Ala (NM_015074.3); short protein forms V927A, V973A.
Identifiers: ClinVar variation 2625177 (VCV002625177.2), dbSNP rs2521641594, ClinGen allele CA338337576.

ClinVar aggregate classification (germline): Uncertain significance (1 of 4 stars; one submission).

Submission:

Ambry Genetics
Classification: Uncertain significance. Last evaluated: 2023-08-29. Review status: criteria provided, single submitter. Criteria: Ambry Variant Classification Scheme 2023. Collection method: clinical testing. Allele origin: germline.
Comment: The p.V927A variant (also known as c.2780T>C), located in coding exon 24 of the KIF1B gene, results from a T to C substitution at nucleotide position 2780. The valine at codon 927 is replaced by alanine, an amino acid with similar properties. This amino acid position is conserved. In addition, the in silico prediction for this alteration is inconclusive. Since supporting evidence is limited at this time, the clinical significance of this alteration remains unclear.